The following is an entry in ClinVar:

ClinVar aggregate classification (germline): Likely benign. Review status: criteria provided, multiple submitters, no conflicts (2 of 4 stars). 4 submissions from 4 submitters: Likely benign (4). Last evaluated 2026-01-24.

Conditions:
Familial thoracic aortic aneurysm and aortic dissection (TAAD). Also called: Thoracic aortic aneurysms and dissections. Identifiers: Orphanet 91387, MedGen C4707243, MONDO:0019625.
Marfan syndrome (MFS). Also called: Marfan syndrome, classic; Marfan syndrome type 1; Marfan's syndrome; FBN1-Related Marfan Syndrome; MARFAN SYNDROME, TYPE I. Identifiers: Orphanet 284963, Orphanet 558, MedGen C0024796, MONDO:0007947, OMIM 154700.

Allele frequency attached by ClinVar (database versions not stated): gnomAD exomes below 0.00001; TOPMed 0.00001.
gnomAD v4.1: 4 of 1,614,182 alleles (0.00025%); highest among the groups gnomAD compares: Non-Finnish European, 0.00034%; no homozygotes.

Submissions (4):

Labcorp Genetics (formerly Invitae), Labcorp
Classification: Likely benign for Marfan syndrome; Familial thoracic aortic aneurysm and aortic dissection. Last evaluated: 2026-01-24. Review status: criteria provided, single submitter. Criteria: Invitae Variant Classification Sherloc (09022015). Collection method: clinical testing. Allele origin: germline.

All of Us Research Program, National Institutes of Health
Classification: Likely benign for Marfan syndrome. Last evaluated: 2023-11-02. Review status: criteria provided, single submitter. Criteria: ACMG Guidelines, 2015. Collection method: clinical testing. Allele origin: germline. Inheritance: Autosomal dominant inheritance. Observed: 3 variant alleles, 3 heterozygotes.
Comment: This study involves interpretation of variants in research participants for the purpose of population health screening. Participant phenotype was not available at the time of variant classification. Additional details can be found in publication PMID: 35346344, PMCID: PMC8962531

Ambry Genetics
Classification: Likely benign for Familial thoracic aortic aneurysm and aortic dissection. Last evaluated: 2023-03-19. Review status: criteria provided, single submitter. Criteria: Ambry Variant Classification Scheme 2023. Collection method: clinical testing. Allele origin: germline.

Color Diagnostics, LLC DBA Color Health
Classification: Likely benign for Familial thoracic aortic aneurysm and aortic dissection. Last evaluated: 2019-05-14. Review status: criteria provided, single submitter. Criteria: ACMG Guidelines, 2015. Collection method: clinical testing. Allele origin: germline.

NM_000138.5(FBN1):c.4593T>C (p.Ser1531=)

Gene: FBN1 (fibrillin 1; minus strand). Cytogenetic location: 15q21.1.
Variant type: single nucleotide variant.
Coding change: c.4593T>C on transcript NM_000138.5 (MANE Select); coding-DNA position 4593, T replaced by C.
Protein change: p.Ser1531=; no amino-acid change (serine 1531 retained).
Molecular consequence: synonymous variant.
Genome position (GRCh38, 1-based): chr15:48,468,092, A>G on the plus strand (T>C on the coding strand, the complement: FBN1 is on the minus strand). VCF-style: chr15-48468092-A-G. GRCh37 (hg19) VCF-style: chr15-48760289-A-G.
Identifiers: ClinVar variation 922078 (VCV000922078.12), dbSNP rs985992262, ClinGen allele CA269551789.
Genomic context (GRCh38, chr15:48,468,092, plus strand): 5'-ATTGCTGCAGGCTGTATCTCCATTGTCTCCTCGAGGTCGAATATCCAAATAGCAATTTCC[A>G]GAGCGGGTATCTATTTACCATATACAAACACAAAAGCATCAGGCAGAATCTTTCTACTGG-3'
Protein context (NP_000129.3, residues 1521-1541): PTRVGCVDTR[Ser1531=]GNCYLDIRPR